The following is an entry in ClinVar:

ClinVar aggregate classification (germline): Uncertain significance. Review status: criteria provided, multiple submitters, no conflicts (2 of 4 stars). 2 submissions from 2 submitters: Uncertain significance (2). Last evaluated 2023-12-01.

Conditions:
Cerebro-costo-mandibular syndrome (CCMS). Also called: RIB GAP DEFECTS WITH MICROGNATHIA; Cerebrocostomandibular syndrome. Identifiers: Orphanet 1393, MedGen C0265342, MONDO:0007301, OMIM 117650.

Allele frequency attached by ClinVar (database versions not stated): TOPMed below 0.00001; ExAC 0.00001; gnomAD 0.00001; gnomAD exomes 0.00001; ESP Exome Variant Server 0.00008.

Submissions (2):

Labcorp Genetics (formerly Invitae), Labcorp
Classification: Uncertain significance. Last evaluated: 2023-12-01. Review status: criteria provided, single submitter. Criteria: Invitae Variant Classification Sherloc (09022015). Collection method: clinical testing. Allele origin: germline.
Comment: This sequence change replaces alanine, which is neutral and non-polar, with threonine, which is neutral and polar, at codon 153 of the SNRPB protein (p.Ala153Thr). This variant is present in population databases (rs376318628, gnomAD 0.0009%). This variant has not been reported in the literature in individuals affected with SNRPB-related conditions. ClinVar contains an entry for this variant (Variation ID: 2436217). An algorithm developed to predict the effect of missense changes on protein structure and function (PolyPhen-2) suggests that this variant is likely to be disruptive. In summary, the available evidence is currently insufficient to determine the role of this variant in disease. Therefore, it has been classified as a Variant of Uncertain Significance.

Revvity Omics, Revvity
Classification: Uncertain significance for Cerebro-costo-mandibular syndrome. Last evaluated: 2019-09-06. Review status: criteria provided, single submitter. Criteria: ACMG Guidelines, 2015. Collection method: clinical testing. Allele origin: germline.

NM_003091.4(SNRPB):c.457G>A (p.Ala153Thr)

Gene: SNRPB (small nuclear ribonucleoprotein polypeptides B and B1; minus strand). Cytogenetic location: 20p13.
Variant type: single nucleotide variant.
Coding change: c.457G>A on transcript NM_003091.4 (MANE Select); coding-DNA position 457, G replaced by A.
Protein change: p.Ala153Thr; replaces alanine 153 with threonine.
Molecular consequence: missense variant.
Genome position (GRCh38, 1-based): chr20:2,463,191, C>T on the plus strand (G>A on the coding strand, the complement: SNRPB is on the minus strand). VCF-style: chr20-2463191-C-T. GRCh37 (hg19) VCF-style: chr20-2443837-C-T.
Other names: c.457G>A, p.Ala153Thr (NM_198216.2); short protein forms A153T.
Identifiers: ClinVar variation 2436217 (VCV002436217.6), dbSNP rs376318628, ClinGen allele CA9732432.